The following is an entry in ClinVar:

ClinVar aggregate classification (germline): Uncertain significance (1 of 4 stars; one submission).

Conditions:
Brugada syndrome. Also called: Sudden Unexplained Death Syndrome; Sudden Unexplained Nocturnal Death Syndrome (SUNDS); Sudden unexpected nocturnal death syndrome; Sudden unexplained nocturnal death syndrome. Identifiers: Orphanet 130, MedGen C1142166, MONDO:0015263.

Allele frequency attached by ClinVar (database versions not stated): gnomAD exomes below 0.00001.

Submission:

Labcorp Genetics (formerly Invitae), Labcorp
Classification: Uncertain significance for Brugada syndrome. Last evaluated: 2022-04-01. Review status: criteria provided, single submitter. Criteria: Invitae Variant Classification Sherloc (09022015). Collection method: clinical testing. Allele origin: germline.
Comment: This sequence change replaces asparagine, which is neutral and polar, with serine, which is neutral and polar, at codon 1422 of the SCN10A protein (p.Asn1422Ser). The frequency data for this variant in the population databases is considered unreliable, as metrics indicate poor data quality at this position in the gnomAD database. This variant has not been reported in the literature in individuals affected with SCN10A-related conditions. Advanced modeling of protein sequence and biophysical properties (such as structural, functional, and spatial information, amino acid conservation, physicochemical variation, residue mobility, and thermodynamic stability) performed at Invitae indicates that this missense variant is expected to disrupt SCN10A protein function. In summary, the available evidence is currently insufficient to determine the role of this variant in disease. Therefore, it has been classified as a Variant of Uncertain Significance.

NM_006514.4(SCN10A):c.4265A>G (p.Asn1422Ser)

Gene: SCN10A (sodium voltage-gated channel alpha subunit 10; minus strand). Cytogenetic location: 3p22.2.
Variant type: single nucleotide variant.
Coding change: c.4265A>G on transcript NM_006514.4 (MANE Select); coding-DNA position 4265, A replaced by G.
Protein change: p.Asn1422Ser; replaces asparagine 1422 with serine.
Molecular consequence: missense variant.
Genome position (GRCh38, 1-based): chr3:38,709,494, T>C on the plus strand (A>G on the coding strand, the complement: SCN10A is on the minus strand). VCF-style: chr3-38709494-T-C. GRCh37 (hg19) VCF-style: chr3-38750985-T-C.
Other names: c.4262A>G, p.Asn1421Ser (NM_001293306.2); c.3971A>G, p.Asn1324Ser (NM_001293307.2); short protein forms N1422S, N1324S, N1421S.
Identifiers: ClinVar variation 2120417 (VCV002120417.4), dbSNP rs1231754635, ClinGen allele CA352149575.